The following is an entry in ClinVar:

NM_001080449.3(DNA2):c.274G>A (p.Glu92Lys)

Gene: DNA2 (DNA replication helicase/nuclease 2; minus strand). Cytogenetic location: 10q21.3.
Variant type: single nucleotide variant.
Coding change: c.274G>A on transcript NM_001080449.3 (MANE Select); coding-DNA position 274, G replaced by A.
Protein change: p.Glu92Lys; replaces glutamic acid 92 with lysine.
Molecular consequence: missense variant. On other transcripts: non-coding transcript variant (1).
Genome position (GRCh38, 1-based): chr10:68,468,290, C>T on the plus strand (G>A on the coding strand, the complement: DNA2 is on the minus strand). VCF-style: chr10-68468290-C-T. GRCh37 (hg19) VCF-style: chr10-70228047-C-T.
Other names: short protein forms E92K.
Identifiers: ClinVar variation 1468911 (VCV001468911.8), dbSNP rs1370201291, ClinGen allele CA376830373.
Genomic context (GRCh38, chr10:68,468,290, plus strand): 5'-TATCTATTATCCAAGTGTCAGATGTGCAGTCTCCCTCCAAATGAATGATATCTCCTGGCT[C>T]TACTGGAACAGAACACCTGAAAATAAAGCAAAGTTAAAGTATAAATACATAGCTTAGGTT-3'
Protein context (NP_001073918.2, residues 82-102): LRNDWCSVPV[Glu92Lys]PGDIIHLEGD

ClinVar aggregate classification (germline): Uncertain significance (1 of 4 stars; one submission).

Submission:

Labcorp Genetics (formerly Invitae), Labcorp
Classification: Uncertain significance. Last evaluated: 2022-09-07. Review status: criteria provided, single submitter. Criteria: Invitae Variant Classification Sherloc (09022015). Collection method: clinical testing. Allele origin: germline.
Comment: This sequence change replaces glutamic acid, which is acidic and polar, with lysine, which is basic and polar, at codon 92 of the DNA2 protein (p.Glu92Lys). This variant is not present in population databases (gnomAD no frequency). This variant has not been reported in the literature in individuals affected with DNA2-related conditions. ClinVar contains an entry for this variant (Variation ID: 1468911). Algorithms developed to predict the effect of missense changes on protein structure and function are either unavailable or do not agree on the potential impact of this missense change (SIFT: "Tolerated"; PolyPhen-2: "Not Available"; Align-GVGD: "Class C0"). In summary, the available evidence is currently insufficient to determine the role of this variant in disease. Therefore, it has been classified as a Variant of Uncertain Significance.